The following is an entry in ClinVar:

NM_033446.3(MVB12B):c.135G>A (p.Thr45=)

Gene: MVB12B (multivesicular body subunit 12B; plus strand). Cytogenetic location: 9q33.3.
Variant type: single nucleotide variant.
Coding change: c.135G>A on transcript NM_033446.3 (MANE Select); coding-DNA position 135, G replaced by A.
Protein change: p.Thr45=; no amino-acid change (threonine 45 retained).
Molecular consequence: synonymous variant.
Genome position (GRCh38, 1-based): chr9:126,340,561, G>A. VCF-style: chr9-126340561-G-A. GRCh37 (hg19) VCF-style: chr9-129102840-G-A.
Other names: c.135G>A, p.Thr45= (NM_001011703.3).
Identifiers: ClinVar variation 3060638 (VCV003060638.2), dbSNP rs1888156, ClinGen allele CA5241884.

ClinVar aggregate classification (germline): Benign (0 of 4 stars; one submission).

Conditions:
MVB12B-related disorder. Also called: MVB12B-related condition.

Allele frequency attached by ClinVar (database versions not stated): 1000 Genomes Project 0.31490; gnomAD exomes 0.32000; 1000 Genomes Project 30x 0.32042; ExAC 0.32347; TOPMed 0.32550; gnomAD 0.33095; ESP Exome Variant Server 0.33277.
gnomAD v4.1: 517,030 of 1,613,512 alleles (32%); highest among the groups gnomAD compares: African/African-American, 36%; 83,933 homozygotes.

Submission:

PreventionGenetics, part of Exact Sciences
Classification: Benign for MVB12B-related condition. Last evaluated: 2019-10-18. Review status: no assertion criteria provided. Collection method: clinical testing. Allele origin: germline.
Comment: This variant is classified as benign based on ACMG/AMP sequence variant interpretation guidelines (Richards et al. 2015 PMID: 25741868, with internal and published modifications).